The following is an entry in ClinVar:

ClinVar aggregate classification (germline): Uncertain significance (1 of 4 stars; one submission).

Conditions:
Severe myoclonic epilepsy in infancy (DRVT). Also called: Dravet syndrome; Epileptic encephalopathy, early infantile, 6 (Dravet syndrome); SEVERE MYOCLONIC EPILEPSY OF INFANCY; DEVELOPMENTAL AND EPILEPTIC ENCEPHALOPATHY 6A; Severe Myoclonic Epilepsy in Infancy (SMEI). Identifiers: Orphanet 33069, MedGen C0751122, MONDO:0100135, OMIM 607208.

Submission:

3billion
Classification: Uncertain significance for Severe myoclonic epilepsy in infancy. Last evaluated: 2024-01-22. Review status: criteria provided, single submitter. Criteria: ACMG Guidelines, 2015. Collection method: clinical testing. Allele origin: germline. Affected: yes.
Comment: The variant is not observed in the gnomAD v2.1.1 dataset. Predicted Consequence/Location: The variant is located in a mutational hot spot and/or well-established functional domain in which established pathogenic variants have been reported. In silico tool predictions suggest damaging effect of the variant on gene or gene product [REVEL: 0.91 (>=0.6, sensitivity 0.68 and specificity 0.92); 3Cnet: 1.00 (>=0.6, sensitivity 0.72 and precision 0.9)]. Therefore, this variant is classified as VUS according to the recommendation of ACMG/AMP guideline.

NM_001165963.4(SCN1A):c.287G>T (p.Gly96Val)

Gene: SCN1A (sodium voltage-gated channel alpha subunit 1; minus strand). Cytogenetic location: 2q24.3.
Variant type: single nucleotide variant.
Coding change: c.287G>T on transcript NM_001165963.4 (MANE Select); coding-DNA position 287, G replaced by T.
Protein change: p.Gly96Val; replaces glycine 96 with valine.
Molecular consequence: missense variant. On other transcripts: 5 prime UTR variant (1), non-coding transcript variant (1).
Genome position (GRCh38, 1-based): chr2:166,058,666, C>A on the plus strand (G>T on the coding strand, the complement: SCN1A is on the minus strand). VCF-style: chr2-166058666-C-A. GRCh37 (hg19) VCF-style: chr2-166915176-C-A.
Other names: c.287G>T, p.Gly96Val (NM_001165964.3, NM_001202435.3, NM_001353948.2 and 10 more transcripts); c.-2139G>T (NM_001353961.2); short protein forms G96V.
Identifiers: ClinVar variation 3775455 (VCV003775455.1).
Genomic context (GRCh38, chr2:166,058,666, plus strand): 5'-GGATTGAAGGGAGTTAAAATGTACAGGGCAGAGGTGGCACTGAACCGGAAGATGGCCTTC[C>A]CTTTATTCAATACTATAAAAGTCTGTAAGACAGGAACACAACATAGAAGTATGAAAGTAT-3'
Protein context (NP_001159435.1, residues 86-106): NKKTFIVLNK[Gly96Val]KAIFRFSATS